The following is an entry in ClinVar:

ClinVar aggregate classification (germline): Uncertain significance (1 of 4 stars; one submission).

gnomAD v4.1: 5 of 1,612,590 alleles (0.00031%); highest among the groups gnomAD compares: East Asian, 0.0067%; no homozygotes.

Submission:

Labcorp Genetics (formerly Invitae), Labcorp
Classification: Uncertain significance. Last evaluated: 2024-05-28. Review status: criteria provided, single submitter. Criteria: Invitae Variant Classification Sherloc (09022015). Collection method: clinical testing. Allele origin: germline.
Comment: This sequence change replaces histidine, which is basic and polar, with tyrosine, which is neutral and polar, at codon 2449 of the FN1 protein (p.His2449Tyr). This variant is not present in population databases (gnomAD no frequency). This variant has not been reported in the literature in individuals affected with FN1-related conditions. An algorithm developed to predict the effect of missense changes on protein structure and function (PolyPhen-2) suggests that this variant is likely to be tolerated. In summary, the available evidence is currently insufficient to determine the role of this variant in disease. Therefore, it has been classified as a Variant of Uncertain Significance.

NM_212482.4(FN1):c.7345C>T (p.His2449Tyr)

Genes: ATIC (5-aminoimidazole-4-carboxamide ribonucleotide formyltransferase/IMP cyclohydrolase; plus strand), FN1 (fibronectin 1; minus strand). Cytogenetic location: 2q35.
Variant type: single nucleotide variant.
Coding change: c.7345C>T on transcript NM_212482.4 (MANE Select); coding-DNA position 7345, C replaced by T.
Protein change: p.His2449Tyr; replaces histidine 2449 with tyrosine.
Molecular consequence: missense variant.
Genome position (GRCh38, 1-based): chr2:215,361,986, G>A on the plus strand (C>T on the coding strand, the complement: FN1 is on the minus strand). VCF-style: chr2-215361986-G-A. GRCh37 (hg19) VCF-style: chr2-216226709-G-A.
Other names: c.7252C>T, p.His2418Tyr (NM_001306129.2); c.6715C>T, p.His2239Tyr (NM_001306130.2); c.6709C>T, p.His2237Tyr (NM_001306131.2); c.6634C>T, p.His2212Tyr (NM_001306132.2); c.7075C>T, p.His2359Tyr (NM_001365517.2); c.7072C>T, p.His2358Tyr (NM_001365518.2); c.7000C>T, p.His2334Tyr (NM_001365519.2); c.6997C>T, p.His2333Tyr (NM_001365520.2); and 8 more; short protein forms H2238Y, H2243Y, H2358Y, H2268Y, H2302Y, H2334Y, H2418Y, H2212Y.
Identifiers: ClinVar variation 3699505 (VCV003699505.2).